The following is an entry in ClinVar:

NM_001267550.2(TTN):c.67_81delinsCTCCAGTGGTAGTAC (p.Ala23_Ala27delinsLeuGlnTrpTer)

Gene: TTN (titin; minus strand). Cytogenetic location: 2q31.2.
Variant type: Indel.
Coding change: c.67_81delinsCTCCAGTGGTAGTAC on transcript NM_001267550.2 (MANE Select); coding-DNA positions 67 to 81, GCAACCTTTGAGGCT replaced by CTCCAGTGGTAGTAC.
Protein change: p.Ala23_Ala27delinsLeuGlnTrpTer.
Molecular consequence: nonsense.
Genome position (GRCh38, 1-based): chr2:178,804,562-178,804,576, AGCCTCAAAGGTTGC replaced by GTACTACCACTGGAG on the plus strand (GCAACCTTTGAGGCT replaced by CTCCAGTGGTAGTAC on the coding strand, the reverse complement: TTN is on the minus strand). VCF-style: chr2-178804562-AGCCTCAAAGGTTGC-GTACTACCACTGGAG. GRCh37 (hg19) VCF-style: chr2-179669289-AGCCTCAAAGGTTGC-GTACTACCACTGGAG.
Other names: c.67_81delinsCTCCAGTGGTAGTAC, p.Ala23_Ala27delinsLeuGlnTrpTer (NM_001256850.1, NM_003319.4, NM_133378.4 and 3 more transcripts).
Identifiers: ClinVar variation 4795221 (VCV004795221.1).

ClinVar aggregate classification (germline): Pathogenic (1 of 4 stars; one submission).

Conditions:
Autosomal recessive titinopathy. Identifiers: MedGen CN315649, MONDO:0100493.

Submission:

Myofin, Folkhalsan Research Center
Classification: Pathogenic for Autosomal recessive titinopathy. Last evaluated: 2026-02-05. Review status: criteria provided, single submitter. Criteria: ACMG Guidelines, 2015. Collection method: research. Allele origin: germline. Affected: yes.
Comment: TTN loss-of-function is an established mechanism for autosomal recessive titinopathies. ACMG/AMP criteria applied: PVS1 (predicted loss of function), PM2_Supporting (absent/rare in population databases), and PP4_Supporting (highly consistent clinical phenotype). Overall classification: Pathogenic for recessive titinopathy

Literature cited by the submitters: DOI 10.1101/2025.07.17.25331109.